The following is an entry in ClinVar:

ClinVar aggregate classification (germline): Pathogenic (1 of 4 stars; one submission).

Conditions:
Channelopathy-associated congenital insensitivity to pain, autosomal recessive. Also called: Insensitivity to pain, channelopathy-associated; CONGENITAL ANALGESIA, AUTOSOMAL RECESSIVE; ASYMBOLIA FOR PAIN. Identifiers: Orphanet 88642, Orphanet 970, MedGen C1855739, MONDO:0009459, OMIM 243000.

Submission:

3billion
Classification: Pathogenic for Channelopathy-associated congenital insensitivity to pain, autosomal recessive. Last evaluated: 2025-08-18. Review status: criteria provided, single submitter. Criteria: ACMG Guidelines, 2015. Collection method: clinical testing. Allele origin: germline. Affected: yes.
Comment: The variant is not observed in the gnomAD v4.1.0 dataset. Predicted Consequence/Location: Frameshift: predicted to result in a loss or disruption of normal protein function through nonsense-mediated decay (NMD) or protein truncation. Multiple pathogenic variants are reported downstream of the variant. Therefore, this variant is classified as Pathogenic according to the recommendation of ACMG/AMP guideline.

NM_001365536.1(SCN9A):c.4662dup (p.Ile1555fs)

Genes: SCN9A (sodium voltage-gated channel alpha subunit 9; minus strand), SCN1A-AS1 (SCN1A and SCN9A antisense RNA 1; plus strand). Cytogenetic location: 2q24.3.
Variant type: Duplication.
Coding change: c.4662dup on transcript NM_001365536.1 (MANE Select); coding-DNA position 4662, one base duplicated (T; older notation c.4662dupT).
Protein change: p.Ile1555fs; shifts the reading frame from isoleucine 1555.
Molecular consequence: frameshift variant.
Genome position (GRCh38, 1-based): chr2:166,204,067, A duplicated on the plus strand (T on the coding strand, the reverse complement: SCN9A is on the minus strand); the first of 5 consecutive A bases (chr2:166,204,067-166,204,071); duplicating any one gives the same sequence. VCF-style (leftmost placement, unchanged base first): chr2-166204066-T-TA. GRCh37 (hg19) VCF-style: chr2-167060576-T-TA.
Other names: c.4629dup, p.Ile1544fs (NM_002977.4); short protein forms I1544fs, I1555fs.
Identifiers: ClinVar variation 4855624 (VCV004855624.1).